The following is an entry in ClinVar:

NM_002246.3(KCNK3):c.454G>T (p.Ala152Ser)

Gene: KCNK3 (potassium two pore domain channel subfamily K member 3; plus strand). Cytogenetic location: 2p23.3.
Variant type: single nucleotide variant.
Coding change: c.454G>T on transcript NM_002246.3 (MANE Select); coding-DNA position 454, G replaced by T.
Protein change: p.Ala152Ser; replaces alanine 152 with serine.
Molecular consequence: missense variant.
Genome position (GRCh38, 1-based): chr2:26,727,837, G>T. VCF-style: chr2-26727837-G-T. GRCh37 (hg19) VCF-style: chr2-26950705-G-T.
Other names: short protein forms A152S.
Identifiers: ClinVar variation 3586252 (VCV003586252.3).

ClinVar aggregate classification (germline): Uncertain significance. Review status: criteria provided, multiple submitters, no conflicts (2 of 4 stars). 2 submissions from 2 submitters: Uncertain significance (2). Last evaluated 2024-02-19.

Conditions:
Pulmonary hypertension, primary, 4. Identifiers: Orphanet 422, MedGen C3809198, MONDO:0014136, OMIM 615344.

Submissions (2):

Labcorp Genetics (formerly Invitae), Labcorp
Classification: Uncertain significance for Pulmonary hypertension, primary, 4. Last evaluated: 2024-02-19. Review status: criteria provided, single submitter. Criteria: Invitae Variant Classification Sherloc (09022015). Collection method: clinical testing. Allele origin: germline.
Comment: This sequence change replaces alanine, which is neutral and non-polar, with serine, which is neutral and polar, at codon 152 of the KCNK3 protein (p.Ala152Ser). This variant is not present in population databases (gnomAD no frequency). This variant has not been reported in the literature in individuals affected with KCNK3-related conditions. Advanced modeling of protein sequence and biophysical properties (such as structural, functional, and spatial information, amino acid conservation, physicochemical variation, residue mobility, and thermodynamic stability) performed at Invitae indicates that this missense variant is not expected to disrupt KCNK3 protein function with a negative predictive value of 80%. In summary, the available evidence is currently insufficient to determine the role of this variant in disease. Therefore, it has been classified as a Variant of Uncertain Significance.

Fulgent Genetics
Classification: Uncertain significance for Pulmonary hypertension, primary, 4. Last evaluated: 2024-01-23. Review status: criteria provided, single submitter. Criteria: ACMG Guidelines, 2015. Collection method: clinical testing. Allele origin: germline.